The following is an entry in ClinVar:

ClinVar aggregate classification (germline): Uncertain significance (1 of 4 stars; one submission).

Conditions:
Hereditary cancer-predisposing syndrome. Also called: Neoplastic Syndromes, Hereditary; Hereditary Cancer Syndrome; Tumor predisposition; Hereditary neoplastic syndrome. Identifiers: Orphanet 140162, MedGen C0027672, MeSH D009386, MONDO:0015356.

Submission:

Ambry Genetics
Classification: Uncertain significance for Hereditary cancer-predisposing syndrome. Last evaluated: 2023-12-26. Review status: criteria provided, single submitter. Criteria: Ambry Variant Classification Scheme 2023. Collection method: clinical testing. Allele origin: germline.
Comment: The c.3222G>T variant, located in coding exon 12 of the PALB2 gene, results from a G to T substitution at nucleotide position 3222. This nucleotide substitution does not change the leucine at codon 1074. In silico splice site analysis predicts that this alteration may weaken the native splice acceptor site; however, direct evidence is insufficient at this time (Ambry internal data). Since supporting evidence is limited at this time, the clinical significance of this alteration remains unclear.

NM_024675.4(PALB2):c.3222G>T (p.Leu1074=)

Gene: PALB2 (partner and localizer of BRCA2; minus strand). Cytogenetic location: 16p12.2.
Variant type: single nucleotide variant.
Coding change: c.3222G>T on transcript NM_024675.4 (MANE Select); coding-DNA position 3222, G replaced by T.
Protein change: p.Leu1074=; no amino-acid change (leucine 1074 retained).
Molecular consequence: synonymous variant. On other transcripts: intron variant (8).
Genome position (GRCh38, 1-based): chr16:23,607,992, C>A on the plus strand (G>T on the coding strand, the complement: PALB2 is on the minus strand). VCF-style: chr16-23607992-C-A. GRCh37 (hg19) VCF-style: chr16-23619313-C-A.
Other names: c.3162G>T, p.Leu1054= (NM_001407296.1); c.3150G>T, p.Leu1050= (NM_001407297.1); c.3060G>T, p.Leu1020= (NM_001407298.1); c.2943G>T, p.Leu981= (NM_001407300.1); c.2337G>T, p.Leu779= (NM_001407304.1, NM_001407305.1, NM_001407306.1); c.2175G>T, p.Leu725= (NM_001407307.1); c.1434G>T, p.Leu478= (NM_001407312.1); c.756G>T, p.Leu252= (NM_001407314.1); and 6 more.
Identifiers: ClinVar variation 2447310 (VCV002447310.2), dbSNP rs2142274073, ClinGen allele CA494175867.